The following is an entry in ClinVar:

ClinVar aggregate classification (germline): Pathogenic (1 of 4 stars; one submission).

Conditions:
Atrioventricular septal defect 5 (AVSD5). Identifiers: MedGen C3280939, MONDO:0013769, OMIM 614474.

Submission:

Labcorp Genetics (formerly Invitae), Labcorp
Classification: Pathogenic for Atrioventricular septal defect 5. Last evaluated: 2019-05-12. Review status: criteria provided, single submitter. Criteria: Invitae Variant Classification Sherloc (09022015). Collection method: clinical testing. Allele origin: germline.
Comment: The frequency data for this variant in the population databases is considered unreliable, as metrics indicate insufficient coverage at this position in the ExAC database. This sequence change creates a premature translational stop signal (p.Gly280*) in the GATA6 gene. It is expected to result in an absent or disrupted protein product. This variant has not been reported in the literature in individuals with GATA6-related conditions. For these reasons, this variant has been classified as Pathogenic. Loss-of-function variants in GATA6 are known to be pathogenic (PMID: 22158542, 24310933). Algorithms developed to predict the effect of sequence changes on RNA splicing suggest that this variant may create or strengthen a splice site, but this prediction has not been confirmed by published transcriptional studies.

Literature cited by the submitters: PubMed 22158542; PubMed 24310933.

NM_005257.6(GATA6):c.838G>T (p.Gly280Ter)

Gene: GATA6 (GATA binding protein 6; plus strand). Cytogenetic location: 18q11.2.
Variant type: single nucleotide variant.
Coding change: c.838G>T on transcript NM_005257.6 (MANE Select); coding-DNA position 838, G replaced by T.
Protein change: p.Gly280Ter; replaces glycine 280 with a stop codon.
Molecular consequence: nonsense.
Genome position (GRCh38, 1-based): chr18:22,171,982, G>T. VCF-style: chr18-22171982-G-T. GRCh37 (hg19) VCF-style: chr18-19751943-G-T.
Other names: short protein forms G280*.
Identifiers: ClinVar variation 862125 (VCV000862125.7), dbSNP rs2033057699, ClinGen allele CA401801049.